The following is an entry in ClinVar:

ClinVar aggregate classification (germline): Uncertain significance (1 of 4 stars; one submission).

Submission:

Ambry Genetics
Classification: Uncertain significance. Last evaluated: 2024-05-01. Review status: criteria provided, single submitter. Criteria: Ambry Variant Classification Scheme 2023. Collection method: clinical testing. Allele origin: germline.
Comment: The p.G170A variant (also known as c.509G>C), located in coding exon 4 of the POLQ gene, results from a G to C substitution at nucleotide position 509. The glycine at codon 170 is replaced by alanine, an amino acid with similar properties. This amino acid position is conserved. In addition, the in silico prediction for this alteration is inconclusive. Since supporting evidence is limited at this time, the clinical significance of this alteration remains unclear.

NM_199420.4(POLQ):c.509G>C (p.Gly170Ala)

Gene: POLQ (DNA polymerase theta; minus strand). Cytogenetic location: 3q13.33.
Variant type: single nucleotide variant.
Coding change: c.509G>C on transcript NM_199420.4 (MANE Select); coding-DNA position 509, G replaced by C.
Protein change: p.Gly170Ala; replaces glycine 170 with alanine.
Molecular consequence: missense variant.
Genome position (GRCh38, 1-based): chr3:121,539,555, C>G on the plus strand (G>C on the coding strand, the complement: POLQ is on the minus strand). VCF-style: chr3-121539555-C-G. GRCh37 (hg19) VCF-style: chr3-121258402-C-G.
Other names: short protein forms G170A.
Identifiers: ClinVar variation 1745323 (VCV001745323.3), dbSNP rs2546824606, ClinGen allele CA354091356.